The following is an entry in ClinVar:

ClinVar aggregate classification (germline): Likely pathogenic (1 of 4 stars; one submission).

Conditions:
8q24.3 microdeletion syndrome. Also called: CHROMOSOME 8q24.3 DELETION SYNDROME; Verheij syndrome. Identifiers: Orphanet 508488, MedGen C3810023, MONDO:0014263, OMIM 615583.

Submission:

Neuberg Centre For Genomic Medicine, NCGM
Classification: Likely pathogenic for 8q24.3 microdeletion syndrome. Last evaluated: 2023-06-22. Review status: criteria provided, single submitter. Criteria: ACMG Guidelines, 2015. Collection method: clinical testing. Allele origin: germline. Inheritance: Autosomal dominant inheritance. Affected: yes.
Comment: The frame shift c.1309dupp.Gln437ProfsTer10 variant in PUF60 gene has not been reported previously as a pathogenic variant nor as a benign variant, to our knowledge. The observed variant is absent in gnomAD exomes database. This variant has not been submitted to the ClinVar database. This variant causes a frameshift starting with codon Glutamine 437, changes this amino acid to Proline residue, and creates a premature Stop codon at position 10 of the new reading frame, denoted p.Gln437ProfsTer10. This variant is predicted to cause loss of normal protein function through protein truncation. Downstream termination variants have been previously reported to be disease causing Xu et. al., 2018. For these reasons, this variant has been classified as Likely Pathogenic.

NM_078480.3(PUF60):c.1309dup (p.Gln437fs)

Gene: PUF60 (poly(U) binding splicing factor 60; minus strand). Cytogenetic location: 8q24.3.
Variant type: Duplication.
Coding change: c.1309dup on transcript NM_078480.3 (MANE Select); coding-DNA position 1309, one base duplicated (C; older notation c.1309dupC).
Protein change: p.Gln437fs; shifts the reading frame from glutamine 437.
Molecular consequence: frameshift variant.
Genome position (GRCh38, 1-based): chr8:143,816,981, G duplicated on the plus strand (C on the coding strand, the reverse complement: PUF60 is on the minus strand). VCF-style (leftmost placement, unchanged base first): chr8-143816980-T-TG. GRCh37 (hg19) VCF-style: chr8-144899150-T-TG.
Other names: c.1180dup, p.Gln394fs (NM_001136033.3); c.1255dup, p.Gln419fs (NM_001271096.2); c.1171dup, p.Gln391fs (NM_001271097.2); c.1306dup, p.Gln436fs (NM_001271098.2); c.1222dup, p.Gln408fs (NM_001271099.2); c.1129dup, p.Gln377fs (NM_001271100.2); c.1420dup, p.Gln474fs (NM_001362895.2, NM_001362896.2); c.1369dup, p.Gln457fs (NM_001362897.2); and 1 more; short protein forms Q377fs, Q391fs, Q394fs, Q408fs, Q419fs, Q420fs, Q436fs, Q437fs.
Identifiers: ClinVar variation 3391392 (VCV003391392.1).
Genomic context (GRCh38, chr8:143,816,980, plus strand): 5'-CGGAGCAGCTTCTGCATCACCATGTGTCGGGCGCTACTGCCCGAGATGCTCATGTGCTCC[T>TG]GCTCGCTCAGCATCTCTGGCCGCTCTGACTCGGGAAACAGCTCCTCTTCTTCCTTCTCCT-3'